The following is an entry in ClinVar:

NM_032608.7(MYO18B):c.2109C>T (p.Phe703=)

Gene: MYO18B (myosin XVIIIB; plus strand). Cytogenetic location: 22q12.1.
Variant type: single nucleotide variant.
Coding change: c.2109C>T on transcript NM_032608.7 (MANE Select); coding-DNA position 2109, C replaced by T.
Protein change: p.Phe703=; no amino-acid change (phenylalanine 703 retained).
Molecular consequence: synonymous variant.
Genome position (GRCh38, 1-based): chr22:25,780,096, C>T. VCF-style: chr22-25780096-C-T. GRCh37 (hg19) VCF-style: chr22-26176063-C-T.
Other names: c.2109C>T, p.Phe703= (NM_001318245.2); c.2109C>T (NM_032608.6).
Identifiers: ClinVar variation 1548134 (VCV001548134.10), dbSNP rs370428853, ClinGen allele CA10160054.

ClinVar aggregate classification (germline): Benign. Review status: criteria provided, single submitter (1 of 4 stars). 2 submissions from 2 submitters: Benign (1). 1 of the submissions does not count toward it. Last evaluated 2026-01-25.

Conditions:
MYO18B-related disorder. Also called: MYO18B-related condition.

Allele frequency attached by ClinVar (database versions not stated): gnomAD 0.00007 and 0.00122; ESP Exome Variant Server 0.00008; TOPMed 0.00024; gnomAD exomes 0.00229 and 0.00501; 1000 Genomes Project 30x 0.00687; 1000 Genomes Project 0.00839; ExAC 0.01008.

Submissions (2):

Labcorp Genetics (formerly Invitae), Labcorp
Classification: Benign. Last evaluated: 2026-01-25. Review status: criteria provided, single submitter. Criteria: Invitae Variant Classification Sherloc (09022015). Collection method: clinical testing. Allele origin: germline.

PreventionGenetics, part of Exact Sciences
Classification: Benign for MYO18B-related condition. Last evaluated: 2019-04-25. Review status: no assertion criteria provided. Collection method: clinical testing. Allele origin: germline. Not counted in ClinVar's aggregate classification.
Comment: This variant is classified as benign based on ACMG/AMP sequence variant interpretation guidelines (Richards et al. 2015 PMID: 25741868, with internal and published modifications).